The following is an entry in ClinVar:

NM_000719.7(CACNA1C):c.1931T>G (p.Leu644Trp)

Gene: CACNA1C (calcium voltage-gated channel subunit alpha1 C; plus strand). Cytogenetic location: 12p13.33.
Variant type: single nucleotide variant.
Coding change: c.1931T>G on transcript NM_000719.7 (MANE Select); coding-DNA position 1931, T replaced by G.
Protein change: p.Leu644Trp; replaces leucine 644 with tryptophan.
Molecular consequence: missense variant.
Genome position (GRCh38, 1-based): chr12:2,581,625, T>G. VCF-style: chr12-2581625-T-G. GRCh37 (hg19) VCF-style: chr12-2690791-T-G.
Other names: p.L644W:TTG>TGG; c.1931T>G, p.Leu644Trp (NM_001129827.2, NM_001129829.2, NM_001129830.3 and 18 more transcripts); c.1922T>G, p.Leu641Trp (NM_001129844.2); short protein forms L644W, L641W.
Identifiers: ClinVar variation 190647 (VCV000190647.2), dbSNP rs786205749, ClinGen allele CA301348.

ClinVar aggregate classification (germline): Uncertain significance (1 of 4 stars; one submission).

Submission:

GeneDx
Classification: Uncertain significance. Last evaluated: 2013-11-26. Review status: criteria provided, single submitter. Criteria: GeneDx Variant Classification (06012015). Collection method: clinical testing. Allele origin: germline. Affected: yes.
Comment: p.Leu644Trp (TTG>TGG): c.1931 T>G in exon 14 of the CACNA1C gene (NM_000719.6). The Leu644Trp variant in the CACNA1C gene has not been reported as a disease-causing mutation or as a benign polymorphism to our knowledge. The Leu644Trp variant is a conservative amino acid substitution as these residues share similar properties, and are least likely to impact secondary structure. The Leu644 residue is conserved across species. In silico analysis predicts Leu644Trp is probably damaging to the protein structure/function. The Leu644Trp variant was not observed in approximately 6500 individuals of European and African American ancestry in the NHLBI Exome Sequencing Project, indicating it is not a common benign variant in these populations. However, no other disease-causing mutations have been reported in surrounding residues of the CACNA1C protein, indicating this region may be tolerant of change. With the clinical and molecular information available at this time, we cannot definitively determine if Leu644Trp is a disease-causing mutation or a rare benign variant. The variant is found in LQT panel(s).